The following is an entry in ClinVar:

NM_003190.5(TAPBP):c.698A>C (p.Glu233Ala)

Gene: TAPBP (TAP binding protein; minus strand). Cytogenetic location: 6p21.32.
Variant type: single nucleotide variant.
Coding change: c.698A>C on transcript NM_003190.5 (MANE Select); coding-DNA position 698, A replaced by C.
Protein change: p.Glu233Ala; replaces glutamic acid 233 with alanine.
Molecular consequence: missense variant.
Genome position (GRCh38, 1-based): chr6:33,305,159, T>G on the plus strand (A>C on the coding strand, the complement: TAPBP is on the minus strand). VCF-style: chr6-33305159-T-G. GRCh37 (hg19) VCF-style: chr6-33272936-T-G.
Other names: c.698A>C, p.Glu233Ala (NM_001410875.1, NM_172208.3); c.437A>C, p.Glu146Ala (NM_172209.3); short protein forms E146A, E233A.
Identifiers: ClinVar variation 1914006 (VCV001914006.5), dbSNP rs2536726022, ClinGen allele CA363691441.

ClinVar aggregate classification (germline): Uncertain significance (1 of 4 stars; one submission).

Conditions:
MHC class I deficiency. Identifiers: Orphanet 34592, MedGen C6024714, MONDO:0011476.

Submission:

Labcorp Genetics (formerly Invitae), Labcorp
Classification: Uncertain significance for MHC class I deficiency 1. Last evaluated: 2022-09-24. Review status: criteria provided, single submitter. Criteria: Invitae Variant Classification Sherloc (09022015). Collection method: clinical testing. Allele origin: germline.
Comment: This variant is not present in population databases (gnomAD no frequency). In summary, the available evidence is currently insufficient to determine the role of this variant in disease. Therefore, it has been classified as a Variant of Uncertain Significance. Algorithms developed to predict the effect of missense changes on protein structure and function are either unavailable or do not agree on the potential impact of this missense change (SIFT: "Tolerated"; PolyPhen-2: "Possibly Damaging"; Align-GVGD: "Class C0"). This variant has not been reported in the literature in individuals affected with TAPBP-related conditions. This sequence change replaces glutamic acid, which is acidic and polar, with alanine, which is neutral and non-polar, at codon 233 of the TAPBP protein (p.Glu233Ala).